The following is an entry in ClinVar:

ClinVar aggregate classification (germline): Uncertain significance. Review status: criteria provided, multiple submitters, no conflicts (2 of 4 stars). 2 submissions from 2 submitters: Uncertain significance (2). Last evaluated 2026-08-23.

Conditions:
Heterotopia, periventricular, X-linked dominant (PVNH1). Also called: PERIVENTRICULAR NODULAR HETEROTOPIA 1; X-linked periventricular heterotopia; PERIVENTRICULAR NODULAR HETEROTOPIA 4; HETEROTOPIA, PERIVENTRICULAR, 1. Identifiers: Orphanet 2149, Orphanet 82004, MedGen C1848213, MONDO:0010233, OMIM 300049.
Oto-palato-digital syndrome, type II (OPD2). Also called: Otopalatodigital Syndrome Type 2 (FLNA-OPD2); OPD II SYNDROME; Otopalatodigital Syndrome, Type II; FACIOPALATOOSSEOUS SYNDROME. Identifiers: Orphanet 669, Orphanet 90652, MedGen C1844696, MONDO:0010571, OMIM 304120.
Melnick-Needles syndrome (MNS). Also called: Melnick-Needles Syndrome (FLNA-MNS); OSTEODYSPLASTY OF MELNICK AND NEEDLES; MELNICK-NEEDLES OSTEODYSPLASTY. Identifiers: Orphanet 2484, MedGen C0025237, MONDO:0010650, OMIM 309350.
Frontometaphyseal dysplasia (FMD1). Identifiers: Orphanet 1826, MedGen C0265293, MONDO:0015942.
Familial thoracic aortic aneurysm and aortic dissection (TAAD). Also called: Thoracic aortic aneurysms and dissections. Identifiers: Orphanet 91387, MedGen C4707243, MONDO:0019625.

Allele frequency attached by ClinVar (database versions not stated): gnomAD 0.00004 and 0.00003; gnomAD exomes 0.00001; TOPMed 0.00002.
gnomAD v4.1: 15 of 1,206,963 alleles (0.0012%); highest among the groups gnomAD compares: Non-Finnish European, 0.0017%; no homozygotes.

Submissions (2):

Ambry Genetics
Classification: Uncertain significance for Familial thoracic aortic aneurysm and aortic dissection. Last evaluated: 2026-08-23. Review status: criteria provided, single submitter. Criteria: Ambry Variant Classification Scheme 2023. Collection method: clinical testing. Allele origin: germline.

Labcorp Genetics (formerly Invitae), Labcorp
Classification: Uncertain significance for Oto-palato-digital syndrome, type II; Heterotopia, periventricular, X-linked dominant; Frontometaphyseal dysplasia; Melnick-Needles syndrome. Last evaluated: 2025-07-29. Review status: criteria provided, single submitter. Criteria: Invitae Variant Classification Sherloc (09022015). Collection method: clinical testing. Allele origin: germline.
Comment: This sequence change replaces glutamic acid, which is acidic and polar, with aspartic acid, which is acidic and polar, at codon 981 of the FLNA protein (p.Glu981Asp). This variant is not present in population databases (gnomAD no frequency). This variant has not been reported in the literature in individuals affected with FLNA-related conditions. ClinVar contains an entry for this variant (Variation ID: 1008867). An algorithm developed to predict the effect of missense changes on protein structure and function outputs the following: PolyPhen-2: "Benign". The aspartic acid amino acid residue is found in multiple mammalian species, which suggests that this missense change does not adversely affect protein function. In summary, the available evidence is currently insufficient to determine the role of this variant in disease. Therefore, it has been classified as a Variant of Uncertain Significance.

NM_001110556.2(FLNA):c.2943G>C (p.Glu981Asp)

Gene: FLNA (filamin A; minus strand). Cytogenetic location: Xq28.
Variant type: single nucleotide variant.
Coding change: c.2943G>C on transcript NM_001110556.2 (MANE Select); coding-DNA position 2943, G replaced by C.
Protein change: p.Glu981Asp; replaces glutamic acid 981 with aspartic acid.
Molecular consequence: missense variant.
Genome position (GRCh38, 1-based): chrX:154,361,671, C>G on the plus strand (G>C on the coding strand, the complement: FLNA is on the minus strand). VCF-style: chrX-154361671-C-G. GRCh37 (hg19) VCF-style: chrX-153590039-C-G.
Other names: c.2943G>C (NM_001456.3); c.2943G>C, p.Glu981Asp (NM_001456.4); short protein forms E981D.
Identifiers: ClinVar variation 1008867 (VCV001008867.10), dbSNP rs782755538, ClinGen allele CA337281387.